The following is an entry in ClinVar:

NM_004006.3(DMD):c.9947G>C (p.Cys3316Ser)

Gene: DMD (dystrophin; minus strand). Cytogenetic location: Xp21.2.
Variant type: single nucleotide variant.
Coding change: c.9947G>C on transcript NM_004006.3 (MANE Select); coding-DNA position 9947, G replaced by C.
Protein change: p.Cys3316Ser; replaces cysteine 3316 with serine.
Molecular consequence: missense variant.
Genome position (GRCh38, 1-based): chrX:31,182,765, C>G on the plus strand (G>C on the coding strand, the complement: DMD is on the minus strand). VCF-style: chrX-31182765-C-G. GRCh37 (hg19) VCF-style: chrX-31200882-C-G.
Other names: c.9923G>C, p.Cys3308Ser (NM_000109.4); c.9935G>C, p.Cys3312Ser (NM_004009.3); c.9578G>C, p.Cys3193Ser (NM_004010.3); c.5924G>C, p.Cys1975Ser (NM_004011.4); c.5915G>C, p.Cys1972Ser (NM_004012.4); c.2567G>C, p.Cys856Ser (NM_004013.3, NM_004020.4, NM_004021.3 and 2 more transcripts); c.1760G>C, p.Cys587Ser (NM_004014.3); c.743G>C, p.Cys248Ser (NM_004015.3, NM_004016.3, NM_004017.3 and 2 more transcripts); short protein forms C248S, C3308S, C3312S, C1972S, C1975S, C3193S, C587S, C856S.
Identifiers: ClinVar variation 2113737 (VCV002113737.4), dbSNP rs2520021391, ClinGen allele CA412653324.
Genomic context (GRCh38, chrX:31,182,765, plus strand): 5'-AAAAAATGACATTTTTTTTTTGGTTCCTAATACCTGAATCCAATGATTGGACACTCTTTG[C>G]AGATGTTACATTTGGCCTGATGCTTGGCAGTTTCTGCAGCAGCCACTCTGTGCAGGACGG-3'
Protein context (NP_003997.2, residues 3306-3326): TAKHQAKCNI[Cys3316Ser]KECPIIGFRY

ClinVar aggregate classification (germline): Uncertain significance (1 of 4 stars; one submission).

Conditions:
Duchenne muscular dystrophy (DMD). Also called: MUSCULAR DYSTROPHY, PSEUDOHYPERTROPHIC PROGRESSIVE, DUCHENNE TYPE; Duchenne Muscular Dystrophy (DMD). Identifiers: Orphanet 98896, MedGen C0013264, MONDO:0010679, OMIM 310200.

Submission:

Labcorp Genetics (formerly Invitae), Labcorp
Classification: Uncertain significance for Duchenne muscular dystrophy. Last evaluated: 2022-03-18. Review status: criteria provided, single submitter. Criteria: Invitae Variant Classification Sherloc (09022015). Collection method: clinical testing. Allele origin: germline.
Comment: This sequence change replaces cysteine, which is neutral and slightly polar, with serine, which is neutral and polar, at codon 3316 of the DMD protein (p.Cys3316Ser). This variant is not present in population databases (gnomAD no frequency). This variant has not been reported in the literature in individuals affected with DMD-related conditions. Algorithms developed to predict the effect of missense changes on protein structure and function are either unavailable or do not agree on the potential impact of this missense change (SIFT: "Deleterious"; PolyPhen-2: "Benign"; Align-GVGD: "Class C65"). In summary, the available evidence is currently insufficient to determine the role of this variant in disease. Therefore, it has been classified as a Variant of Uncertain Significance.